The following is an entry in ClinVar:

NM_003000.3(SDHB):c.472AAG[2] (p.Lys160del)

Gene: SDHB (succinate dehydrogenase complex iron sulfur subunit B; minus strand). Cytogenetic location: 1p36.13.
Variant type: Microsatellite.
Coding change: c.472AAG[2] on transcript NM_003000.3 (MANE Select); two copies in a row of the 3-base unit AAG starting at c.472; the reference has three copies in a row; one copy, 3 bases deleted; also written c.478_480del.
Protein change: p.Lys160del; deletes lysine 160.
Molecular consequence: inframe deletion.
Genome position (GRCh38, 1-based): chr1:17,027,809-17,027,811, CTT deleted on the plus strand (AAG on the coding strand, the reverse complement: SDHB is on the minus strand); deleting any 3 consecutive bases within chr1:17,027,809-17,027,818 gives the same sequence; the position shown is the placement nearest the transcript's 3' end. VCF-style (leftmost placement, unchanged base first): chr1-17027808-CCTT-C. GRCh37 (hg19) VCF-style: chr1-17354303-CCTT-C.
Other names: p.Lys160del; c.478_480delAAG (NM_003000.2); c.478_480del (NM_003000.3); short protein forms K160del.
Identifiers: ClinVar variation 459150 (VCV000459150.19), dbSNP rs1173714647, ClinGen allele CA521039145.

ClinVar aggregate classification (germline): Uncertain significance. Review status: criteria provided, multiple submitters, no conflicts (2 of 4 stars). 6 submissions from 6 submitters: Uncertain significance (6). Last evaluated 2025-12-22.

Conditions:
Hereditary pheochromocytoma and paraganglioma. Also called: Hereditary Paraganglioma-Pheochromocytoma Syndromes; Hereditary paragangliomas and pheochromocytomas; Hereditary pheochromocytoma-paraganglioma. Identifiers: Orphanet 29072, MedGen C4274332, MONDO:0017366.
Hereditary cancer-predisposing syndrome. Also called: Tumor predisposition; Hereditary neoplastic syndrome; Neoplastic Syndromes, Hereditary; Hereditary Cancer Syndrome. Identifiers: Orphanet 140162, MedGen C0027672, MeSH D009386, MONDO:0015356.
Gastrointestinal stromal tumor. Also called: Gastrointestinal stroma tumor; Gastrointestinal stromal tumor, somatic. Identifiers: Orphanet 44890, MedGen C0238198, MeSH D046152, MONDO:0011719, OMIM 606764, HP:0100723.
Pheochromocytoma. Also called: MAX-Related Hereditary Paraganglioma-Pheochromocytoma Syndrome. Identifiers: Orphanet 29072, MedGen C0031511, MONDO:0008233, OMIM 171300, HP:0002666.
Pheochromocytoma/paraganglioma syndrome 4. Also called: SDHB-Related Hereditary Paraganglioma-Pheochromocytoma Syndrome (Paragangliomas 4); CAROTID BODY TUMORS AND MULTIPLE EXTRAADRENAL PHEOCHROMOCYTOMAS; PARAGANGLIOMA, FAMILIAL MALIGNANT; PARAGANGLIOMAS, HEREDITARY EXTRAADRENAL; SDHB-Related Hereditary Paraganglioma-Pheochromocytoma Syndrome; PHEOCHROMOCYTOMA, FAMILIAL EXTRAADRENAL. Identifiers: Orphanet 29072, MedGen C1861848, MONDO:0007273, OMIM 115310.

Submissions (6):

Labcorp Genetics (formerly Invitae), Labcorp
Classification: Uncertain significance for Gastrointestinal stromal tumor; Pheochromocytoma/paraganglioma syndrome 4; Pheochromocytoma. Last evaluated: 2025-12-22. Review status: criteria provided, single submitter. Criteria: Invitae Variant Classification Sherloc (09022015). Collection method: clinical testing. Allele origin: germline.
Comment: This variant, c.478_480del, results in the deletion of 1 amino acid(s) of the SDHB protein (p.Lys160del), but otherwise preserves the integrity of the reading frame. This variant is present in population databases (no rsID available, gnomAD 0.006%). This variant has not been reported in the literature in individuals affected with SDHB-related conditions. ClinVar contains an entry for this variant (Variation ID: 459150). Experimental studies and prediction algorithms are not available or were not evaluated, and the functional significance of this variant is currently unknown. In summary, the available evidence is currently insufficient to determine the role of this variant in disease. Therefore, it has been classified as a Variant of Uncertain Significance.

Color Diagnostics, LLC DBA Color Health
Classification: Uncertain significance for Hereditary pheochromocytoma and paraganglioma. Last evaluated: 2025-06-23. Review status: criteria provided, single submitter. Criteria: ACMG Guidelines, 2015. Collection method: clinical testing. Allele origin: germline.
Comment: This variant causes the deletion of a lysine at codon 160 in the SDHB protein. To our knowledge, functional studies have not been reported for this variant. This variant has not been reported in individuals affected with SDHB-related disorders in the literature. This variant has been identified in 1/251364 chromosomes in the general population by the Genome Aggregation Database (gnomAD). The available evidence is insufficient to determine the role of this variant in disease conclusively. Therefore, this variant is classified as a Variant of Uncertain Significance.

Ambry Genetics
Classification: Uncertain significance for Hereditary cancer-predisposing syndrome. Last evaluated: 2025-01-24. Review status: criteria provided, single submitter. Criteria: Ambry Variant Classification Scheme 2023. Collection method: clinical testing. Allele origin: germline.
Comment: The c.478_480delAAG variant (also known as p.K160del) is located in coding exon 5 of the SDHB gene. This variant results from an in-frame AAG deletion at nucleotide positions 478 to 480. This results in the in-frame deletion of a lysine at codon 160. This amino acid position is highly conserved in available vertebrate species. In addition, this alteration is predicted to be deleterious by in silico analysis (Choi Y et al. PLoS ONE. 2012; 7(10):e46688). Based on the available evidence, the clinical significance of this variant remains unclear.

Mayo Clinic Laboratories, Mayo Clinic
Classification: Uncertain significance. Last evaluated: 2024-08-20. Review status: criteria provided, single submitter. Criteria: ACMG Guidelines, 2015. Collection method: clinical testing. Allele origin: germline. Observed: 1 variant allele.
Comment: PM4

GeneDx
Classification: Uncertain significance. Last evaluated: 2024-07-12. Review status: criteria provided, single submitter. Criteria: GeneDx Variant Classification Process June 2021. Collection method: clinical testing. Allele origin: germline. Affected: yes.
Comment: In-frame deletion of 1 amino acid in a non-repeat region; Not observed at significant frequency in large population cohorts (gnomAD); In silico analysis supports a deleterious effect on protein structure/function; This variant is associated with the following publications: (PMID: 38473309)

Baylor Genetics
Classification: Uncertain significance for Gastrointestinal stromal tumor. Last evaluated: 2024-02-16. Review status: criteria provided, single submitter. Criteria: ACMG Guidelines, 2015. Collection method: clinical testing. Allele origin: unknown.